The following is an entry in ClinVar:

NM_024426.6(WT1):c.133T>G (p.Trp45Gly)

Genes: WT1 (WT1 transcription factor; minus strand), LOC107982234 (WT1/WT1-AS bi-directional promoter region; plus strand). Cytogenetic location: 11p13.
Variant type: single nucleotide variant.
Coding change: c.133T>G on transcript NM_024426.6 (MANE Select); coding-DNA position 133, T replaced by G.
Protein change: p.Trp45Gly; replaces tryptophan 45 with glycine.
Molecular consequence: missense variant. On other transcripts: non-coding transcript variant (1).
Genome position (GRCh38, 1-based): chr11:32,435,228, A>C on the plus strand (T>G on the coding strand, the complement: WT1 is on the minus strand). VCF-style: chr11-32435228-A-C. GRCh37 (hg19) VCF-style: chr11-32456774-A-C.
Other names: c.133T>G, p.Trp45Gly (NM_000378.6, NM_024424.5); short protein forms W45G.
Identifiers: ClinVar variation 834611 (VCV000834611.9), dbSNP rs1186470250, ClinGen allele CA379966317.

ClinVar aggregate classification (germline): Uncertain significance. Review status: criteria provided, multiple submitters, no conflicts (2 of 4 stars). 4 submissions from 4 submitters: Uncertain significance (4). Last evaluated 2025-12-13.

Conditions:
Inborn genetic diseases. Identifiers: MedGen C0950123, MeSH D030342.
Hereditary cancer-predisposing syndrome. Also called: Hereditary neoplastic syndrome; Neoplastic Syndromes, Hereditary; Tumor predisposition; Hereditary Cancer Syndrome. Identifiers: Orphanet 140162, MedGen C0027672, MeSH D009386, MONDO:0015356.
Wilms tumor 1 (WT1). Also called: Wilms tumor, somatic. Identifiers: Orphanet 654, MedGen CN033288, MONDO:0008679, OMIM 194070.
11p partial monosomy syndrome (WAGR). Also called: WAGR Spectrum Disorder; WAGR syndrome; WAGR Complex; CHROMOSOME 11p13 DELETION SYNDROME. Identifiers: Orphanet 893, MedGen C0206115, MONDO:0008681, OMIM 194072.
Frasier syndrome. Identifiers: Orphanet 347, MedGen C0950122, MeSH D052159, MONDO:0007635, OMIM 136680.
Drash syndrome (DDS). Also called: NEPHROPATHY, WILMS TUMOR, AND GENITAL ANOMALIES; WILMS TUMOR AND PSEUDO- OR TRUE HERMAPHRODITISM. Identifiers: Orphanet 220, MedGen C0950121, MONDO:0008682, OMIM 194080.

Submissions (4):

Labcorp Genetics (formerly Invitae), Labcorp
Classification: Uncertain significance for Wilms tumor 1; Drash syndrome; 11p partial monosomy syndrome; Frasier syndrome. Last evaluated: 2025-12-13. Review status: criteria provided, single submitter. Criteria: Invitae Variant Classification Sherloc (09022015). Collection method: clinical testing. Allele origin: germline.
Comment: This sequence change replaces tryptophan, which is neutral and slightly polar, with glycine, which is neutral and non-polar, at codon 40 of the WT1 protein (p.Trp40Gly). This variant is not present in population databases (gnomAD no frequency). This variant has not been reported in the literature in individuals affected with WT1-related conditions. ClinVar contains an entry for this variant (Variation ID: 834611). Invitae Evidence Modeling of protein sequence and biophysical properties (such as structural, functional, and spatial information, amino acid conservation, physicochemical variation, residue mobility, and thermodynamic stability) has been performed for this missense variant. However, the output from this modeling did not meet the statistical confidence thresholds required to predict the impact of this variant on WT1 protein function. In summary, the available evidence is currently insufficient to determine the role of this variant in disease. Therefore, it has been classified as a Variant of Uncertain Significance.

Ambry Genetics
Classification: Uncertain significance for Inborn genetic diseases. Last evaluated: 2025-11-08. Review status: criteria provided, single submitter. Criteria: Ambry Variant Classification Scheme 2023. Collection method: clinical testing. Allele origin: germline.
Comment: The p.W40G variant (also known as c.118T>G), located in coding exon 1 of the WT1 gene, results from a T to G substitution at nucleotide position 118. The tryptophan at codon 40 is replaced by glycine, an amino acid with highly dissimilar properties. This amino acid position is conserved. In addition, this alteration is predicted to be tolerated by in silico analysis. Based on the available evidence, the clinical significance of this variant remains unclear.

All of Us Research Program, National Institutes of Health
Classification: Uncertain significance for Wilms tumor 1. Last evaluated: 2023-05-04. Review status: criteria provided, single submitter. Criteria: ACMG Guidelines, 2015. Collection method: clinical testing. Allele origin: germline. Inheritance: Autosomal dominant inheritance. Observed: 1 variant allele, 1 heterozygote.
Comment: This missense variant replaces tryptophan with glycine at codon 40 in the WT1 protein. Computational prediction suggests that this variant may not impact protein structure and function (internally defined REVEL score threshold <= 0.5, PMID: 27666373). To our knowledge, functional studies have not been reported for this variant. This variant has not been reported in individuals affected with WT1-related disorders in the literature. This variant has not been identified in the general population by the Genome Aggregation Database (gnomAD). The available evidence is insufficient to determine the role of this variant in disease conclusively. Therefore, this variant is classified as a Variant of Uncertain Significance.

This study involves interpretation of variants in research participants for the purpose of population health screening. Participant phenotype was not available at the time of variant classification. Additional details can be found in publication PMID: 35346344, PMCID: PMC8962531

Sema4
Classification: Uncertain significance for Hereditary cancer-predisposing syndrome. Last evaluated: 2022-01-18. Review status: criteria provided, single submitter. Criteria: Sema4 Curation Guidelines. Collection method: curation. Allele origin: germline.
Comment: The WT1 c.118T>G (p.W40G) variant has not been reported in the literature to our knowledge. It was not observed in the large and broad cohorts of the Genome Aggregation Database. The variant has been reported in ClinVar (Variation ID 834611). In silico tools suggest the impact of the variant on protein function is benign, though these predictions have not been confirmed by functional studies. The evidence is insufficient to meet ACMG/AMP criteria for classifying the variant as benign or pathogenic. Thus, the clinical significance of this variant is currently uncertain.